The following is an entry in ClinVar:

NM_000512.5(GALNS):c.286G>T (p.Gly96Cys)

Gene: GALNS (galactosamine (N-acetyl)-6-sulfatase; minus strand). Cytogenetic location: 16q24.3.
Variant type: single nucleotide variant.
Coding change: c.286G>T on transcript NM_000512.5 (MANE Select); coding-DNA position 286, G replaced by T.
Protein change: p.Gly96Cys; replaces glycine 96 with cysteine.
Molecular consequence: missense variant. On other transcripts: 5 prime UTR variant (1).
Genome position (GRCh38, 1-based): chr16:88,841,930, C>A on the plus strand (G>T on the coding strand, the complement: GALNS is on the minus strand). VCF-style: chr16-88841930-C-A. GRCh37 (hg19) VCF-style: chr16-88908338-C-A.
Other names: c.-270G>T (NM_001323543.2); c.304G>T, p.Gly102Cys (NM_001323544.2); short protein forms G102C, G96C.
Identifiers: ClinVar variation 1048178 (VCV001048178.9), dbSNP rs2143005086, ClinGen allele CA397089186.

ClinVar aggregate classification (germline): Conflicting classifications of pathogenicity. Review status: criteria provided, conflicting classifications (1 of 4 stars). 2 submissions from 2 submitters: Likely pathogenic (1); Uncertain significance (1). Last evaluated 2023-03-03.

Conditions:
Mucopolysaccharidosis, MPS-IV-A (MPS4A). Also called: Mucopolysaccharidosis type IV A; Mucopolysaccharidosis Type IVA; Morquio syndrome A, mild; MORQUIO SYNDROME A; MPS IVA; mucopolysaccharidosis type 4A. Identifiers: Orphanet 309297, Orphanet 582, MedGen C0086651, MONDO:0009659, OMIM 253000.

Submissions (2):

Labcorp Genetics (formerly Invitae), Labcorp
Classification: Likely pathogenic for Mucopolysaccharidosis, MPS-IV-A. Last evaluated: 2023-03-03. Review status: criteria provided, single submitter. Criteria: Invitae Variant Classification Sherloc (09022015). Collection method: clinical testing. Allele origin: germline.
Comment: This sequence change replaces glycine, which is neutral and non-polar, with cysteine, which is neutral and slightly polar, at codon 96 of the GALNS protein (p.Gly96Cys). This variant is not present in population databases (gnomAD no frequency). This missense change has been observed in individual(s) with mucopolysaccharidosis type IVA (PMID: 9298823). ClinVar contains an entry for this variant (Variation ID: 1048178). Advanced modeling of protein sequence and biophysical properties (such as structural, functional, and spatial information, amino acid conservation, physicochemical variation, residue mobility, and thermodynamic stability) performed at Invitae indicates that this missense variant is expected to disrupt GALNS protein function. This variant disrupts the p.Gly96 amino acid residue in GALNS. Other variant(s) that disrupt this residue have been determined to be pathogenic (PMID: 7633425, 34387910). This suggests that this residue is clinically significant, and that variants that disrupt this residue are likely to be disease-causing. In summary, the currently available evidence indicates that the variant is pathogenic, but additional data are needed to prove that conclusively. Therefore, this variant has been classified as Likely Pathogenic.

Laboratory of Diagnosis and Therapy of Lysosomal Disorders, University of Padova
Classification: Uncertain significance for Mucopolysaccharidosis, MPS-IV-A. Last evaluated: 2021-02-01. Review status: criteria provided, single submitter. Criteria: ACMG Guidelines, 2015. Collection method: curation. Allele origin: germline. Affected: yes.
Comment: Absent from gnomAD v2.1.1 (PM2_moderate); multiple lines of computational evidence support a deleterious effect on the gene (PP3_supporting)

Literature cited by the submitters: PubMed 9298823 (cited by Labcorp Genetics (formerly Invitae), Labcorp and Laboratory of Diagnosis and Therapy of Lysosomal Disorders, University of Padova); PubMed 7633425 (cited by Labcorp Genetics (formerly Invitae), Labcorp); PubMed 34387910 (cited by Labcorp Genetics (formerly Invitae), Labcorp and Laboratory of Diagnosis and Therapy of Lysosomal Disorders, University of Padova).